The following is an entry in ClinVar:

ClinVar aggregate classification (germline): Conflicting classifications of pathogenicity. Review status: criteria provided, conflicting classifications (1 of 4 stars). 4 submissions from 4 submitters: Uncertain significance (3); Likely benign (1). Last evaluated 2024-06-25.

Conditions:
Coenzyme Q10 deficiency, primary, 3 (COQ10D3). Identifiers: Orphanet 255249, MedGen C3553358, MONDO:0013838, OMIM 614652.

Allele frequency attached by ClinVar (database versions not stated): gnomAD 0.00001; gnomAD exomes 0.00001 and 0.00005; TOPMed 0.00002; ESP Exome Variant Server 0.00008.
gnomAD v4.1: 66 of 1,551,482 alleles (0.0043%); highest among the groups gnomAD compares: Non-Finnish European, 0.0057%; no homozygotes.

Submissions (4):

Fulgent Genetics
Classification: Uncertain significance for Coenzyme Q10 deficiency, primary, 3. Last evaluated: 2024-06-25. Review status: criteria provided, single submitter. Criteria: ACMG Guidelines, 2015. Collection method: clinical testing. Allele origin: germline.

Labcorp Genetics (formerly Invitae), Labcorp
Classification: Uncertain significance. Last evaluated: 2023-11-03. Review status: criteria provided, single submitter. Criteria: Invitae Variant Classification Sherloc (09022015). Collection method: clinical testing. Allele origin: germline.
Comment: This sequence change replaces lysine, which is basic and polar, with glutamic acid, which is acidic and polar, at codon 234 of the PDSS2 protein (p.Lys234Glu). The frequency data for this variant in the population databases is considered unreliable, as metrics indicate poor data quality at this position in the gnomAD database. This variant has not been reported in the literature in individuals affected with PDSS2-related conditions. ClinVar contains an entry for this variant (Variation ID: 214988). Algorithms developed to predict the effect of missense changes on protein structure and function output the following: SIFT: "Not Available"; PolyPhen-2: "Benign"; Align-GVGD: "Not Available". The glutamic acid amino acid residue is found in multiple mammalian species, which suggests that this missense change does not adversely affect protein function. In summary, the available evidence is currently insufficient to determine the role of this variant in disease. Therefore, it has been classified as a Variant of Uncertain Significance.

Baylor Genetics
Classification: Uncertain significance for Coenzyme Q10 deficiency, primary, 3. Last evaluated: 2019-02-26. Review status: criteria provided, single submitter. Criteria: ACMG Guidelines, 2015. Collection method: clinical testing. Allele origin: paternal. Affected: yes.
Comment: This variant was determined to be of uncertain significance according to ACMG Guidelines, 2015 [PMID:25741868].

GeneDx
Classification: Likely benign. Last evaluated: 2013-06-26. Review status: criteria provided, single submitter. Criteria: GeneDx Variant Classification (06012015). Collection method: clinical testing. Allele origin: germline. Affected: yes.
Comment: This variant is considered likely benign or benign based on one or more of the following criteria: it is a conservative change, it occurs at a poorly conserved position in the protein, it is predicted to be benign by multiple in silico algorithms, and/or has population frequency not consistent with disease.

NM_020381.4(PDSS2):c.700A>G (p.Lys234Glu)

Gene: PDSS2 (decaprenyl diphosphate synthase subunit 2; minus strand). Cytogenetic location: 6q21.
Variant type: single nucleotide variant.
Coding change: c.700A>G on transcript NM_020381.4 (MANE Select); coding-DNA position 700, A replaced by G.
Protein change: p.Lys234Glu; replaces lysine 234 with glutamic acid.
Molecular consequence: missense variant.
Genome position (GRCh38, 1-based): chr6:107,245,550, T>C on the plus strand (A>G on the coding strand, the complement: PDSS2 is on the minus strand). VCF-style: chr6-107245550-T-C. GRCh37 (hg19) VCF-style: chr6-107566754-T-C.
Other names: short protein forms K234E.
Identifiers: ClinVar variation 214988 (VCV000214988.5), dbSNP rs372737420, ClinGen allele CA324643.